The following is an entry in ClinVar:

ClinVar aggregate classification (germline): Uncertain significance. Review status: criteria provided, multiple submitters, no conflicts (2 of 4 stars). 3 submissions from 3 submitters: Uncertain significance (3). Last evaluated 2022-04-12.

Conditions:
Glycogen storage disease, type V (GSD5). Also called: MCARDLE DISEASE; MUSCLE GLYCOGEN PHOSPHORYLASE DEFICIENCY; MYOPHOSPHORYLASE DEFICIENCY; PYGM DEFICIENCY; McArdle type glycogen storage disease. Identifiers: Orphanet 368, MedGen C0017924, MONDO:0009293, OMIM 232600.
Inborn genetic diseases. Identifiers: MedGen C0950123, MeSH D030342.

Allele frequency attached by ClinVar (database versions not stated): gnomAD exomes 0.00001 and 0.00002; ExAC 0.00002; TOPMed 0.00005; ESP Exome Variant Server 0.00008; gnomAD 0.00009.

Submissions (3):

Ambry Genetics
Classification: Uncertain significance for Inborn genetic diseases. Last evaluated: 2022-04-12. Review status: criteria provided, single submitter. Criteria: Ambry Variant Classification Scheme 2023. Collection method: clinical testing. Allele origin: germline.

Department of Pathology and Laboratory Medicine, Sinai Health System
Classification: Uncertain significance for Glycogen storage disease, type V. Last evaluated: 2020-08-24. Review status: criteria provided, single submitter. Criteria: ACMG Guidelines, 2015. Collection method: research. Allele origin: germline.

Labcorp Genetics (formerly Invitae), Labcorp
Classification: Uncertain significance for Glycogen storage disease, type V. Last evaluated: 2019-11-14. Review status: criteria provided, single submitter. Criteria: Invitae Variant Classification Sherloc (09022015). Collection method: clinical testing. Allele origin: germline.
Comment: This sequence change replaces asparragine with serine at codon 589 of the PYGM protein (p.Asn589Ser). The asparragine residue is highly conserved and there is a small physicochemical difference between asparragine and serine. This variant is present in population databases (rs140016055, ExAC 0.009%). This variant has not been reported in the literature in individuals with PYGM-related conditions. Algorithms developed to predict the effect of missense changes on protein structure and function are either unavailable or do not agree on the potential impact of this missense change (SIFT: "Deleterious"; PolyPhen-2: "Possibly Damaging"; Align-GVGD: "Class C0"). In summary, the available evidence is currently insufficient to determine the role of this variant in disease. Therefore, it has been classified as a Variant of Uncertain Significance.

NM_005609.4(PYGM):c.1766A>G (p.Asn589Ser)

Gene: PYGM (glycogen phosphorylase, muscle associated; minus strand). Cytogenetic location: 11q13.1.
Variant type: single nucleotide variant.
Coding change: c.1766A>G on transcript NM_005609.4 (MANE Select); coding-DNA position 1766, A replaced by G.
Protein change: p.Asn589Ser; replaces asparagine 589 with serine.
Molecular consequence: missense variant.
Genome position (GRCh38, 1-based): chr11:64,751,926, T>C on the plus strand (A>G on the coding strand, the complement: PYGM is on the minus strand). VCF-style: chr11-64751926-T-C. GRCh37 (hg19) VCF-style: chr11-64519398-T-C.
Other names: c.1766A>G (NM_005609.2); c.1502A>G, p.Asn501Ser (NM_001164716.1); short protein forms N501S, N589S.
Identifiers: ClinVar variation 967414 (VCV000967414.4), dbSNP rs140016055, ClinGen allele CA6079762.